The following is an entry in ClinVar:

NM_006618.5(KDM5B):c.4364G>A (p.Arg1455His)

Gene: KDM5B (lysine demethylase 5B; minus strand). Cytogenetic location: 1q32.1.
Variant type: single nucleotide variant.
Coding change: c.4364G>A on transcript NM_006618.5 (MANE Select); coding-DNA position 4364, G replaced by A.
Protein change: p.Arg1455His; replaces arginine 1455 with histidine.
Molecular consequence: missense variant.
Genome position (GRCh38, 1-based): chr1:202,729,840, C>T on the plus strand (G>A on the coding strand, the complement: KDM5B is on the minus strand). VCF-style: chr1-202729840-C-T. GRCh37 (hg19) VCF-style: chr1-202698968-C-T.
Other names: c.4472G>A, p.Arg1491His (NM_001314042.2); c.4229G>A, p.Arg1410His (NM_001347591.2); c.4349G>A, p.Arg1450His (NM_001399817.1); c.4364G>A (NM_006618.3); short protein forms R1410H, R1450H, R1455H, R1491H.
Identifiers: ClinVar variation 2628007 (VCV002628007.2), dbSNP rs145517771, ClinGen allele CA1333969.

ClinVar aggregate classification (germline): Uncertain significance. Review status: criteria provided, multiple submitters, no conflicts (2 of 4 stars). 2 submissions from 2 submitters: Uncertain significance (2). Last evaluated 2025-05-12.

Conditions:
Bladder exstrophy-epispadias-cloacal exstrophy complex. Also called: Exstrophy of the bladder-epispadias; Bladder exstrophy and epispadias complex; Bladder exstrophy-epispadias-cloacal extrophy complex. Identifiers: Orphanet 93930, MedGen C1838703, MONDO:0700039, OMIM 600057.

Allele frequency attached by ClinVar (database versions not stated): ExAC 0.00003; gnomAD 0.00007; TOPMed 0.00007; ESP Exome Variant Server 0.00008; 1000 Genomes Project 0.00020; 1000 Genomes Project 30x 0.00031.
gnomAD v4.1: 152 of 1,614,162 alleles (0.0094%); highest among the groups gnomAD compares: Non-Finnish European, 0.012%; no homozygotes.

Submissions (2):

GeneDx
Classification: Uncertain significance. Last evaluated: 2025-05-12. Review status: criteria provided, single submitter. Criteria: GeneDx Variant Classification Process June 2021. Collection method: clinical testing. Allele origin: germline. Affected: yes.
Comment: In silico analysis suggests that this missense variant does not alter protein structure/function; Has not been previously published as pathogenic or benign to our knowledge

Obstetrics and Gynecology Department, Johns Hopkins School Of Medicine
Classification: Uncertain significance for Bladder exstrophy-epispadias-cloacal exstrophy complex. Review status: criteria provided, single submitter. Criteria: ACMG Guidelines, 2015. Collection method: curation. Allele origin: de novo. Affected: yes.